The following is an entry in ClinVar:

ClinVar aggregate classification (germline): Likely benign (1 of 4 stars; one submission).

Allele frequency attached by ClinVar (database versions not stated): gnomAD 0.00327 and 0.00357; 1000 Genomes Project 0.00339; TOPMed 0.00404; 1000 Genomes Project 30x 0.00422.
gnomAD v4.1: 495 of 152,062 alleles (0.33%); highest among the groups gnomAD compares: African/African-American, 1.1%; 4 homozygotes.

Submission:

GeneDx
Classification: Likely benign. Last evaluated: 2018-06-16. Review status: criteria provided, single submitter. Criteria: GeneDx Variant Classification (06012015). Collection method: clinical testing. Allele origin: germline. Affected: yes.
Comment: This variant is considered likely benign or benign based on one or more of the following criteria: it is a conservative change, it occurs at a poorly conserved position in the protein, it is predicted to be benign by multiple in silico algorithms, and/or has population frequency not consistent with disease.

NM_004637.6(RAB7A):c.53+233T>C

Gene: RAB7A (RAB7A, member RAS oncogene family; plus strand). Cytogenetic location: 3q21.3.
Variant type: single nucleotide variant.
Coding change: c.53+233T>C on transcript NM_004637.6 (MANE Select); 233 bases into the intron after coding-DNA position 53, T replaced by C.
Molecular consequence: intron variant.
Genome position (GRCh38, 1-based): chr3:128,795,653, T>C. VCF-style: chr3-128795653-T-C. GRCh37 (hg19) VCF-style: chr3-128514496-T-C.
Identifiers: ClinVar variation 678234 (VCV000678234.1), dbSNP rs148295507, ClinGen allele CA82626557.
Genomic context (GRCh38, chr3:128,795,653, plus strand): 5'-CTCTAGTTTTTAGCATGATTTTTTATGGGGAACGGATGGCTATTTGAACTCAACTAAGGA[T>C]AGGCATTTTCATGGAATCCCTTTTCTCCAAGCTGGCCAGGCTGGGGAGTCTTCCTTACGT-3'